The following is an entry in ClinVar:

ClinVar aggregate classification (germline): Pathogenic (1 of 4 stars; one submission).

Conditions:
Partial hypoxanthine-guanine phosphoribosyltransferase deficiency. Also called: HPRT DEFICIENCY, PARTIAL; HYPOXANTHINE GUANINE PHOSPHORIBOSYLTRANSFERASE 1 DEFICIENCY, PARTIAL; GOUT, HPRT-RELATED; Kelley-Seegmiller Syndrome; HPRT1 DEFICIENCY, PARTIAL. Identifiers: Orphanet 79233, MedGen C0268117, MONDO:0010299, OMIM 300323.
Lesch-Nyhan syndrome (LNS). Also called: HPRT DEFICIENCY, COMPLETE; Lesch-Nyhan Disease (LND). Identifiers: Orphanet 510, MedGen C0023374, MONDO:0010298, OMIM 300322.

Submission:

Labcorp Genetics (formerly Invitae), Labcorp
Classification: Pathogenic for Lesch-Nyhan syndrome; Partial hypoxanthine-guanine phosphoribosyltransferase deficiency. Last evaluated: 2021-07-17. Review status: criteria provided, single submitter. Criteria: Invitae Variant Classification Sherloc (09022015). Collection method: clinical testing. Allele origin: germline.
Comment: This variant has not been reported in the literature in individuals affected with HPRT1-related conditions. This sequence change creates a premature translational stop signal (p.Val158Glyfs*18) in the HPRT1 gene. It is expected to result in an absent or disrupted protein product. Loss-of-function variants in HPRT1 are known to be pathogenic (PMID: 15571220, 17027311, 22157001). This variant is not present in population databases (ExAC no frequency). For these reasons, this variant has been classified as Pathogenic.

Literature cited by the submitters: PubMed 15571220; PubMed 17027311; PubMed 22157001.

NM_000194.3(HPRT1):c.472dup (p.Val158fs)

Gene: HPRT1 (hypoxanthine phosphoribosyltransferase 1; plus strand). Cytogenetic location: Xq26.2.
Variant type: Duplication.
Coding change: c.472dup on transcript NM_000194.3 (MANE Select); coding-DNA position 472, one base duplicated (G; older notation c.472dupG).
Protein change: p.Val158fs; shifts the reading frame from valine 158.
Molecular consequence: frameshift variant.
Genome position (GRCh38, 1-based): chrX:134,493,577, G duplicated; the last of 2 consecutive G bases (chrX:134,493,576-134,493,577); duplicating either gives the same sequence. VCF-style (leftmost placement, unchanged base first): chrX-134493575-T-TG. GRCh37 (hg19) VCF-style: chrX-133627605-T-TG.
Other names: short protein forms V158fs.
Identifiers: ClinVar variation 1452349 (VCV001452349.6), dbSNP rs2124302051, ClinGen allele CA2573159282.
Genomic context (GRCh38, chrX:134,493,575, plus strand): 5'-TTGACACTGGCAAAACAATGCAGACTTTGCTTTCCTTGGTCAGGCAGTATAATCCAAAGA[T>TG]GGTCAAGGTCGCAAGGTATGTATGACATTTTGACACAGAATATTTTCCTCATTTGAAGGG-3'